The following is an entry in ClinVar:

ClinVar aggregate classification (germline): Uncertain significance. Review status: criteria provided, multiple submitters, no conflicts (2 of 4 stars). 2 submissions from 2 submitters: Uncertain significance (2). Last evaluated 2024-06-10.

Allele frequency attached by ClinVar (database versions not stated): TOPMed below 0.00001; gnomAD 0.00001.
gnomAD v4.1: 2 of 1,518,048 alleles (0.00013%); highest among the groups gnomAD compares: African/African-American, 0.0028%; no homozygotes.

Submissions (2):

Ambry Genetics
Classification: Uncertain significance. Last evaluated: 2024-06-10. Review status: criteria provided, single submitter. Criteria: Ambry Variant Classification Scheme 2023. Collection method: clinical testing. Allele origin: germline.

Labcorp Genetics (formerly Invitae), Labcorp
Classification: Uncertain significance. Last evaluated: 2022-06-24. Review status: criteria provided, single submitter. Criteria: Invitae Variant Classification Sherloc (09022015). Collection method: clinical testing. Allele origin: germline.
Comment: This sequence change replaces histidine, which is basic and polar, with arginine, which is basic and polar, at codon 636 of the CCDC88A protein (p.His636Arg). The frequency data for this variant in the population databases is considered unreliable, as metrics indicate poor data quality at this position in the gnomAD database. This variant has not been reported in the literature in individuals affected with CCDC88A-related conditions. Algorithms developed to predict the effect of missense changes on protein structure and function output the following: SIFT: "Tolerated"; PolyPhen-2: "Benign"; Align-GVGD: "Class C0". The arginine amino acid residue is found in multiple mammalian species, which suggests that this missense change does not adversely affect protein function. In summary, the available evidence is currently insufficient to determine the role of this variant in disease. Therefore, it has been classified as a Variant of Uncertain Significance.

NM_001365480.1(CCDC88A):c.1907A>G (p.His636Arg)

Gene: CCDC88A (coiled-coil domain containing 88A; minus strand). Cytogenetic location: 2p16.1.
Variant type: single nucleotide variant.
Coding change: c.1907A>G on transcript NM_001365480.1 (MANE Select); coding-DNA position 1907, A replaced by G.
Protein change: p.His636Arg; replaces histidine 636 with arginine.
Molecular consequence: missense variant.
Genome position (GRCh38, 1-based): chr2:55,334,914, T>C on the plus strand (A>G on the coding strand, the complement: CCDC88A is on the minus strand). VCF-style: chr2-55334914-T-C. GRCh37 (hg19) VCF-style: chr2-55562050-T-C.
Other names: c.1907A>G, p.His636Arg (NM_001135597.2, NM_001254943.2, NM_018084.5); c.1907A>G (NM_001135597.1); short protein forms H636R.
Identifiers: ClinVar variation 1366779 (VCV001366779.4), dbSNP rs373145547, ClinGen allele CA47605080.